The following is an entry in ClinVar:

NM_182914.3(SYNE2):c.14560C>G (p.Leu4854Val)

Gene: SYNE2 (spectrin repeat containing nuclear envelope protein 2; plus strand). Cytogenetic location: 14q23.2.
Variant type: single nucleotide variant.
Coding change: c.14560C>G on transcript NM_182914.3 (MANE Select); coding-DNA position 14560, C replaced by G.
Protein change: p.Leu4854Val; replaces leucine 4854 with valine.
Molecular consequence: missense variant.
Genome position (GRCh38, 1-based): chr14:64,134,114, C>G. VCF-style: chr14-64134114-C-G. GRCh37 (hg19) VCF-style: chr14-64600832-C-G.
Other names: c.14560C>G, p.Leu4854Val (NM_015180.6); short protein forms L4854V.
Identifiers: ClinVar variation 841707 (VCV000841707.9), dbSNP rs1475889359, ClinGen allele CA389985964.

ClinVar aggregate classification (germline): Uncertain significance (1 of 4 stars; one submission).

Conditions:
Emery-Dreifuss muscular dystrophy 5, autosomal dominant (EDMD5). Also called: EMERY-DREIFUSS MUSCULAR DYSTROPHY 5. Identifiers: Orphanet 261, MedGen C2751805, MONDO:0013072, OMIM 612999.

gnomAD v4.1: 1 of 1,613,942 alleles (0.000062%); highest among the groups gnomAD compares: Admixed American, 0.0017%; no homozygotes.

Submission:

Labcorp Genetics (formerly Invitae), Labcorp
Classification: Uncertain significance for Emery-Dreifuss muscular dystrophy 5, autosomal dominant. Last evaluated: 2023-02-27. Review status: criteria provided, single submitter. Criteria: Invitae Variant Classification Sherloc (09022015). Collection method: clinical testing. Allele origin: germline.
Comment: In summary, the available evidence is currently insufficient to determine the role of this variant in disease. Therefore, it has been classified as a Variant of Uncertain Significance. An algorithm developed to predict the effect of missense changes on protein structure and function (PolyPhen-2) suggests that this variant is likely to be disruptive. ClinVar contains an entry for this variant (Variation ID: 841707). This variant has not been reported in the literature in individuals affected with SYNE2-related conditions. This variant is not present in population databases (gnomAD no frequency). This sequence change replaces leucine, which is neutral and non-polar, with valine, which is neutral and non-polar, at codon 4854 of the SYNE2 protein (p.Leu4854Val).